The following is an entry in ClinVar:

NM_002230.4(JUP):c.2194G>A (p.Gly732Ser)

Gene: JUP (junction plakoglobin; minus strand). Cytogenetic location: 17q21.2.
Variant type: single nucleotide variant.
Coding change: c.2194G>A on transcript NM_002230.4 (MANE Select); coding-DNA position 2194, G replaced by A.
Protein change: p.Gly732Ser; replaces glycine 732 with serine.
Molecular consequence: missense variant.
Genome position (GRCh38, 1-based): chr17:41,755,788, C>T on the plus strand (G>A on the coding strand, the complement: JUP is on the minus strand). VCF-style: chr17-41755788-C-T. GRCh37 (hg19) VCF-style: chr17-39912040-C-T.
Other names: c.2194G>A, p.Gly732Ser (NM_001352773.2, NM_001352774.2, NM_001352775.2 and 3 more transcripts); short protein forms G732S.
Identifiers: ClinVar variation 837932 (VCV000837932.23), dbSNP rs781885294, ClinGen allele CA8564988.

ClinVar aggregate classification (germline): Uncertain significance. Review status: criteria provided, multiple submitters, no conflicts (2 of 4 stars). 4 submissions from 4 submitters: Uncertain significance (4). Last evaluated 2025-10-24.

Conditions:
Cardiovascular phenotype. Identifiers: MedGen CN230736.
Naxos disease (NXD). Also called: CARDIOMYOPATHY, ARRHYTHMOGENIC RIGHT VENTRICULAR, WITH SKIN, HAIR, AND NAIL ABNORMALITIES; KERATOSIS PALMOPLANTARIS WITH ARRHYTHMOGENIC CARDIOMYOPATHY; MAL DE NAXOS; PALMOPLANTAR KERATODERMA WITH ARRHYTHMOGENIC RIGHT VENTRICULAR CARDIOMYOPATHY AND WOOLLY HAIR; WOOLLY HAIR, PALMOPLANTAR KERATODERMA, AND CARDIAC ABNORMALITIES. Identifiers: Orphanet 34217, MedGen C1832600, MONDO:0011017, OMIM 601214.
Arrhythmogenic right ventricular dysplasia 12. Also called: ARRHYTHMOGENIC RIGHT VENTRICULAR DYSPLASIA, FAMILIAL, 12. Identifiers: MedGen C1969081, MONDO:0012684, OMIM 611528.

Allele frequency attached by ClinVar (database versions not stated): gnomAD exomes 0.00001 and 0.00002; gnomAD 0.00002; ExAC 0.00001; TOPMed 0.00002.

Submissions (4):

GeneDx
Classification: Uncertain significance. Last evaluated: 2025-10-24. Review status: criteria provided, single submitter. Criteria: GeneDx Variant Classification Process June 2021. Collection method: clinical testing. Allele origin: germline.
Comment: Not observed at significant frequency in large population cohorts (gnomAD); In silico analysis suggests that this missense variant does not alter protein structure/function; Has not been previously published as pathogenic or benign to our knowledge

Labcorp Genetics (formerly Invitae), Labcorp
Classification: Uncertain significance for Arrhythmogenic right ventricular dysplasia 12; Naxos disease. Last evaluated: 2025-05-05. Review status: criteria provided, single submitter. Criteria: Invitae Variant Classification Sherloc (09022015). Collection method: clinical testing. Allele origin: germline.
Comment: This sequence change replaces glycine, which is neutral and non-polar, with serine, which is neutral and polar, at codon 732 of the JUP protein (p.Gly732Ser). This variant is present in population databases (rs781885294, gnomAD 0.01%). This variant has not been reported in the literature in individuals affected with JUP-related conditions. ClinVar contains an entry for this variant (Variation ID: 837932). An algorithm developed to predict the effect of missense changes on protein structure and function (PolyPhen-2) suggests that this variant is likely to be tolerated. In summary, the available evidence is currently insufficient to determine the role of this variant in disease. Therefore, it has been classified as a Variant of Uncertain Significance.

Ambry Genetics
Classification: Uncertain significance for Cardiovascular phenotype. Last evaluated: 2022-10-11. Review status: criteria provided, single submitter. Criteria: Ambry Variant Classification Scheme 2023. Collection method: clinical testing. Allele origin: germline.
Comment: The p.G732S variant (also known as c.2194G>A), located in coding exon 13 of the JUP gene, results from a G to A substitution at nucleotide position 2194. The glycine at codon 732 is replaced by serine, an amino acid with similar properties. This amino acid position is conserved. In addition, this alteration is predicted to be tolerated by in silico analysis. Since supporting evidence is limited at this time, the clinical significance of this alteration remains unclear.

Fulgent Genetics
Classification: Uncertain significance for Naxos disease; Arrhythmogenic right ventricular dysplasia 12. Last evaluated: 2021-10-13. Review status: criteria provided, single submitter. Criteria: ACMG Guidelines, 2015. Collection method: clinical testing. Allele origin: unknown.